The following is an entry in ClinVar:

ClinVar aggregate classification (germline): Uncertain significance. Review status: criteria provided, multiple submitters, no conflicts (2 of 4 stars). 2 submissions from 2 submitters: Uncertain significance (2). Last evaluated 2024-07-09.

Submissions (2):

Revvity Omics, Revvity
Classification: Uncertain significance. Last evaluated: 2024-07-09. Review status: criteria provided, single submitter. Criteria: ACMG Guidelines, 2015. Collection method: clinical testing. Allele origin: germline.

GeneDx
Classification: Uncertain significance. Last evaluated: 2023-12-05. Review status: criteria provided, single submitter. Criteria: GeneDx Variant Classification Process June 2021. Collection method: clinical testing. Allele origin: germline. Affected: yes.
Comment: Not observed at significant frequency in large population cohorts (gnomAD); In silico analysis supports that this missense variant has a deleterious effect on protein structure/function; Has not been previously published as pathogenic or benign to our knowledge

NM_000188.3(HK1):c.2240G>A (p.Gly747Asp)

Gene: HK1 (hexokinase 1; plus strand). Cytogenetic location: 10q22.1.
Variant type: single nucleotide variant.
Coding change: c.2240G>A on transcript NM_000188.3 (MANE Select); coding-DNA position 2240, G replaced by A.
Protein change: p.Gly747Asp; replaces glycine 747 with aspartic acid.
Molecular consequence: missense variant.
Genome position (GRCh38, 1-based): chr10:69,394,970, G>A. VCF-style: chr10-69394970-G-A. GRCh37 (hg19) VCF-style: chr10-71154726-G-A.
Other names: c.2252G>A, p.Gly751Asp (NM_001322364.2, NM_001358263.1, NM_033497.3 and 1 more transcripts); c.2345G>A, p.Gly782Asp (NM_001322365.2); c.2156G>A, p.Gly719Asp (NM_001322366.1); c.2144G>A, p.Gly715Asp (NM_001322367.1); c.2237G>A, p.Gly746Asp (NM_033496.3); c.2204G>A, p.Gly735Asp (NM_033500.2); short protein forms G715D, G719D, G735D, G746D, G747D, G751D, G782D.
Identifiers: ClinVar variation 3253539 (VCV003253539.2), dbSNP rs2540470426.